The following is an entry in ClinVar:

ClinVar aggregate classification (germline): Uncertain significance. Review status: criteria provided, multiple submitters, no conflicts (2 of 4 stars). 2 submissions from 2 submitters: Uncertain significance (2). Last evaluated 2026-06-05.

Conditions:
Progressive sclerosing poliodystrophy (MTDPS4A). Also called: ALPERS PROGRESSIVE INFANTILE POLIODYSTROPHY; NEURONAL DEGENERATION OF CHILDHOOD WITH LIVER DISEASE, PROGRESSIVE; Alpers-Huttenlocher Syndrome (AHS); ALPERS DIFFUSE DEGENERATION OF CEREBRAL GRAY MATTER WITH HEPATIC CIRRHOSIS; Alpers-Huttenlocher Syndrome; Alpers Syndrome. Identifiers: Orphanet 726, MedGen C0205710, MONDO:0008758, OMIM 203700.

Allele frequency attached by ClinVar (database versions not stated): gnomAD exomes 0.00001 and 0.00002.
gnomAD v4.1: 9 of 1,614,234 alleles (0.00056%); highest among the groups gnomAD compares: South Asian, 0.0066%; no homozygotes.

Submissions (2):

GeneDx
Classification: Uncertain significance. Last evaluated: 2026-06-05. Review status: criteria provided, single submitter. Criteria: GeneDx Variant Classification Process June 2021. Collection method: clinical testing. Allele origin: germline.
Comment: Not observed at significant frequency in large population cohorts (gnomAD); In silico analysis suggests that this missense variant does not alter protein structure/function; Has not been previously published as pathogenic or benign to our knowledge

Labcorp Genetics (formerly Invitae), Labcorp
Classification: Uncertain significance for Progressive sclerosing poliodystrophy. Last evaluated: 2024-11-13. Review status: criteria provided, single submitter. Criteria: Invitae Variant Classification Sherloc (09022015). Collection method: clinical testing. Allele origin: germline.
Comment: This sequence change replaces glutamic acid, which is acidic and polar, with aspartic acid, which is acidic and polar, at codon 481 of the POLG protein (p.Glu481Asp). This variant is present in population databases (no rsID available, gnomAD 0.003%). This variant has not been reported in the literature in individuals affected with POLG-related conditions. ClinVar contains an entry for this variant (Variation ID: 1492615). Invitae Evidence Modeling of protein sequence and biophysical properties (such as structural, functional, and spatial information, amino acid conservation, physicochemical variation, residue mobility, and thermodynamic stability) indicates that this missense variant is not expected to disrupt POLG protein function with a negative predictive value of 95%. In summary, the available evidence is currently insufficient to determine the role of this variant in disease. Therefore, it has been classified as a Variant of Uncertain Significance.

NM_002693.3(POLG):c.1443A>C (p.Glu481Asp)

Gene: POLG (DNA polymerase gamma, catalytic subunit; minus strand). Cytogenetic location: 15q26.1.
Variant type: single nucleotide variant.
Coding change: c.1443A>C on transcript NM_002693.3 (MANE Select); coding-DNA position 1443, A replaced by C.
Protein change: p.Glu481Asp; replaces glutamic acid 481 with aspartic acid.
Molecular consequence: missense variant.
Genome position (GRCh38, 1-based): chr15:89,327,054, T>G on the plus strand (A>C on the coding strand, the complement: POLG is on the minus strand). VCF-style: chr15-89327054-T-G. GRCh37 (hg19) VCF-style: chr15-89870285-T-G.
Other names: c.1443A>C (NM_002693.2); c.1443A>C, p.Glu481Asp (NM_001126131.2); short protein forms E481D.
Identifiers: ClinVar variation 1492615 (VCV001492615.9), dbSNP rs1325331080, ClinGen allele CA393761258.
Genomic context (GRCh38, chr15:89,327,054, plus strand): 5'-CTTAGCTTTCTTCTGCTTAAATTCTTGCAGGTCCCACTCCAGGTCCCAGAGCCAGGGGTC[T>G]TCTTTGTACCTACAGAGCCAGTCCACTAGGGCAGGGCTAAGGCTAAGCCGAAGGCTAGGC-3'
Protein context (NP_002684.1, residues 471-491): CQLLSGERYK[Glu481Asp]DPWLWDLEWD